The following is an entry in ClinVar:

ClinVar aggregate classification (germline): Pathogenic. Review status: reviewed by expert panel (3 of 4 stars). 5 submissions from 5 submitters: Pathogenic (1). 4 of the submissions do not count toward it. Last evaluated 2016-09-08.

Conditions:
Hereditary cancer-predisposing syndrome. Also called: Neoplastic Syndromes, Hereditary; Tumor predisposition; Hereditary neoplastic syndrome; Hereditary Cancer Syndrome. Identifiers: Orphanet 140162, MedGen C0027672, MeSH D009386, MONDO:0015356.
Breast-ovarian cancer, familial, susceptibility to, 2 (BROVCA2). Also called: BRCA2 Hereditary Breast and Ovarian Cancer. Identifiers: Orphanet 145, MedGen C2675520, MONDO:0012933, OMIM 612555. Disease mechanism: loss of function.

Submissions (5):

Evidence-based Network for the Interpretation of Germline Mutant Alleles (ENIGMA)
Classification: Pathogenic for Breast-ovarian cancer, familial, susceptibility to, 2. Last evaluated: 2016-09-08. Review status: reviewed by expert panel. Criteria: ENIGMA BRCA1/2 Classification Criteria (2015). Collection method: curation. Allele origin: germline.
Comment: Variant allele predicted to encode a truncated non-functional protein.

Ambry Genetics
Classification: Pathogenic for Hereditary cancer-predisposing syndrome. Last evaluated: 2022-06-30. Review status: criteria provided, single submitter. Criteria: Ambry Variant Classification Scheme 2023. Collection method: clinical testing. Allele origin: germline. Not counted in ClinVar's aggregate classification.
Comment: The c.9310_9311delAA pathogenic mutation, located in coding exon 24 of the BRCA2 gene, results from a deletion of two nucleotides at nucleotide positions 9310 to 9311, causing a translational frameshift with a predicted alternate stop codon (p.K3104Vfs*6). This mutation has been identified in numerous BR/OV families in Spain with evidence supporting a founder effect in this population (Osorio A et al. Br J Cancer, 2000 Apr;82:1266-70; Infante M et al. Breast Cancer Res Treat, 2010 Jul;122:567-71; D&iacute;ez O et al. Hum Mutat, 2003 Oct;22:301-12). Of note, this mutation is also designated as 9538delAA. In addition to the clinical data presented in the literature, this alteration is expected to result in loss of function by premature protein truncation or nonsense-mediated mRNA decay. As such, this alteration is interpreted as a disease-causing mutation.

Consortium of Investigators of Modifiers of BRCA1/2 (CIMBA), c/o University of Cambridge
Classification: Pathogenic for Breast-ovarian cancer, familial, susceptibility to, 2. Last evaluated: 2015-10-02. Review status: criteria provided, single submitter. Criteria: CIMBA Mutation Classification guidelines May 2016. Collection method: clinical testing. Allele origin: germline. Not counted in ClinVar's aggregate classification.

Molecular Oncology, Hospital Universitario Central de Asturias (HUCA)
Classification: Pathogenic for Breast-ovarian cancer, familial, susceptibility to, 2. Last evaluated: 2021-05-24. Review status: no assertion criteria provided. Collection method: case-control. Allele origin: germline. Affected: yes. Not counted in ClinVar's aggregate classification.

Breast Cancer Information Core (BIC) (BRCA2)
Classification: Pathogenic for Breast-ovarian cancer, familial 2. Last evaluated: 1997-11-13. Review status: no assertion criteria provided. Collection method: clinical testing. Allele origin: germline. Affected: yes. Observed: 1 variant allele. Not counted in ClinVar's aggregate classification.

Literature cited by the submitters: PubMed 10755399 (cited by Ambry Genetics); PubMed 12955716 (cited by Ambry Genetics); PubMed 19949853 (cited by Ambry Genetics); PubMed 38922859 (cited by Molecular Oncology, Hospital Universitario Central de Asturias (HUCA)).

NM_000059.4(BRCA2):c.9310_9311del (p.Lys3104fs)

Gene: BRCA2 (BRCA2 DNA repair associated; plus strand). Cytogenetic location: 13q13.1.
Variant type: Deletion.
Coding change: c.9310_9311del on transcript NM_000059.4 (MANE Select); coding-DNA positions 9310 to 9311, 2 bases deleted (AA; older notation c.9310_9311delAA).
Protein change: p.Lys3104fs; shifts the reading frame from lysine 3104.
Molecular consequence: frameshift variant.
Genome position (GRCh38, 1-based): chr13:32,394,742-32,394,743, AA deleted; deleting any 2 consecutive bases within chr13:32,394,741-32,394,743 gives the same sequence; the c. name uses the placement nearest the transcript's 3' end. VCF-style (leftmost placement, unchanged base first): chr13-32394740-TAA-T. GRCh37 (hg19) VCF-style: chr13-32968877-TAA-T.
Other names: 9538delAA; c.9310_9311delAA (NM_000059.3).
Identifiers: ClinVar variation 52813 (VCV000052813.8), dbSNP rs80359756, ClinGen allele CA026102.